The following is an entry in ClinVar:

ClinVar aggregate classification (germline): Likely pathogenic (1 of 4 stars; one submission).

Conditions:
Pyruvate carboxylase deficiency. Also called: PC DEFICIENCY; ATAXIA WITH LACTIC ACIDOSIS II; Pyruvate Carboxylase Deficiency Disease; LEIGH NECROTIZING ENCEPHALOPATHY DUE TO PYRUVATE CARBOXYLASE DEFICIENCY; LEIGH SYNDROME DUE TO PYRUVATE CARBOXYLASE DEFICIENCY. Identifiers: Orphanet 3008, MedGen C0034341, MONDO:0009949, OMIM 266150.

Submission:

Labcorp Genetics (formerly Invitae), Labcorp
Classification: Likely pathogenic for Pyruvate carboxylase deficiency. Last evaluated: 2021-10-15. Review status: criteria provided, single submitter. Criteria: Invitae Variant Classification Sherloc (09022015). Collection method: clinical testing. Allele origin: germline.
Comment: In summary, the currently available evidence indicates that the variant is pathogenic, but additional data are needed to prove that conclusively. Therefore, this variant has been classified as Likely Pathogenic. Donor and acceptor splice site variants typically lead to a loss of protein function (PMID: 16199547), and loss-of-function variants in PC are known to be pathogenic (PMID: 12112657, 19306334). Algorithms developed to predict the effect of sequence changes on RNA splicing suggest that this variant may disrupt the consensus splice site, but this prediction has not been confirmed by published transcriptional studies. This variant has not been reported in the literature in individuals with PC-related conditions. This variant is not present in population databases (ExAC no frequency). This sequence change affects an acceptor splice site in intron 12 of the PC gene. It is expected to disrupt RNA splicing and likely results in an absent or disrupted protein product.

Literature cited by the submitters: PubMed 16199547; PubMed 12112657; PubMed 19306334.

NM_001040716.2(PC):c.1514-2A>G

Gene: PC (pyruvate carboxylase; minus strand). Cytogenetic location: 11q13.2.
Variant type: single nucleotide variant.
Coding change: c.1514-2A>G on transcript NM_001040716.2 (MANE Select); the canonical splice acceptor site of the intron before coding-DNA position 1514, A replaced by G.
Molecular consequence: splice acceptor variant.
Genome position (GRCh38, 1-based): chr11:66,852,838, T>C on the plus strand (A>G on the coding strand, the complement: PC is on the minus strand). VCF-style: chr11-66852838-T-C. GRCh37 (hg19) VCF-style: chr11-66620309-T-C.
Other names: c.1514-2A>G (NM_000920.4, NM_022172.3).
Identifiers: ClinVar variation 939515 (VCV000939515.8), dbSNP rs1945585636, ClinGen allele CA381496104.